The following is an entry in ClinVar:

ClinVar aggregate classification (germline): Likely pathogenic (1 of 4 stars; one submission).

Conditions:
Citrullinemia. Identifiers: Orphanet 187, MedGen C0175683, MONDO:0015991.

gnomAD v4.1: 2 of 1,570,490 alleles (0.00013%); highest among the groups gnomAD compares: Non-Finnish European, 0.00017%; no homozygotes.

Submission:

Natera, Inc.
Classification: Likely pathogenic for Citrullinemia. Last evaluated: 2024-04-25. Review status: criteria provided, single submitter. Criteria: Natera Variant Classification Schema (03/2026). Collection method: clinical testing. Allele origin: germline.
Comment: The c.212+1G>A variant in SLC25A13 is a canonical splice donor site variant predicted to affect pre-mRNA splicing, which may result in an abnormal transcript and altered protein product. This variant is expected to result in nonsense mediated decay, truncation, or a dysfunctional protein product. This variant is rare in the general population with a frequency below the threshold expected for the associated phenotype(s). Given the available evidence, this variant is classified as Likely Pathogenic.

NM_014251.3(SLC25A13):c.212+1G>A

Gene: SLC25A13 (solute carrier family 25 member 13; minus strand). Cytogenetic location: 7q21.3.
Variant type: single nucleotide variant.
Coding change: c.212+1G>A on transcript NM_014251.3 (MANE Select); the canonical splice donor site of the intron after coding-DNA position 212, G replaced by A.
Molecular consequence: splice donor variant.
Genome position (GRCh38, 1-based): chr7:96,277,195, C>T on the plus strand (G>A on the coding strand, the complement: SLC25A13 is on the minus strand). VCF-style: chr7-96277195-C-T. GRCh37 (hg19) VCF-style: chr7-95906507-C-T.
Other names: c.212+1G>A (NM_001160210.2).
Identifiers: ClinVar variation 4815637 (VCV004815637.1).